The following is an entry in ClinVar:

ClinVar aggregate classification (germline): Uncertain significance (1 of 4 stars; one submission).

Conditions:
Bethlem myopathy 1A. Also called: Bethlem myopathy 1; Bethlem Muscular Dystrophy; MYOPATHY, BENIGN CONGENITAL, WITH CONTRACTURES. Identifiers: Orphanet 610, MedGen CN029274, MONDO:0024530, OMIM 158810.

Allele frequency attached by ClinVar (database versions not stated): gnomAD exomes below 0.00001; ExAC 0.00001; gnomAD 0.00005; ESP Exome Variant Server 0.00015.
gnomAD v4.1: 9 of 1,614,132 alleles (0.00056%); highest among the groups gnomAD compares: African/African-American, 0.012%; no homozygotes.

Submission:

Labcorp Genetics (formerly Invitae), Labcorp
Classification: Uncertain significance for Bethlem myopathy 1A. Last evaluated: 2023-04-07. Review status: criteria provided, single submitter. Criteria: Invitae Variant Classification Sherloc (09022015). Collection method: clinical testing. Allele origin: germline.
Comment: This variant is present in population databases (rs144130137, gnomAD 0.008%). This sequence change replaces glutamic acid, which is acidic and polar, with glutamine, which is neutral and polar, at codon 2753 of the COL6A3 protein (p.Glu2753Gln). This variant has not been reported in the literature in individuals affected with COL6A3-related conditions. In summary, the available evidence is currently insufficient to determine the role of this variant in disease. Therefore, it has been classified as a Variant of Uncertain Significance. Advanced modeling of protein sequence and biophysical properties (such as structural, functional, and spatial information, amino acid conservation, physicochemical variation, residue mobility, and thermodynamic stability) performed at Invitae indicates that this missense variant is not expected to disrupt COL6A3 protein function.

NM_004369.4(COL6A3):c.8257G>C (p.Glu2753Gln)

Gene: COL6A3 (collagen type VI alpha 3 chain; minus strand). Cytogenetic location: 2q37.3.
Variant type: single nucleotide variant.
Coding change: c.8257G>C on transcript NM_004369.4 (MANE Select); coding-DNA position 8257, G replaced by C.
Protein change: p.Glu2753Gln; replaces glutamic acid 2753 with glutamine.
Molecular consequence: missense variant.
Genome position (GRCh38, 1-based): chr2:237,340,659, C>G on the plus strand (G>C on the coding strand, the complement: COL6A3 is on the minus strand). VCF-style: chr2-237340659-C-G. GRCh37 (hg19) VCF-style: chr2-238249302-C-G.
Other names: c.6436G>C, p.Glu2146Gln (NM_057166.5); c.7639G>C, p.Glu2547Gln (NM_057167.4); short protein forms E2547Q, E2146Q, E2753Q.
Identifiers: ClinVar variation 2738318 (VCV002738318.3), dbSNP rs144130137, ClinGen allele CA2187588.
Genomic context (GRCh38, chr2:237,340,659, plus strand): 5'-CCAGGACCACGAAGAAGTAGCCCTTGCATTTGGCCTGCAGGATGACTCTCTGGGCCTCCT[C>G]CAGCTGCTGCTCCGGCACCTCGCCCGTCAGCATCAGGACCACAATTTTCAGGTCCCGTGG-3'
Protein context (NP_004360.2, residues 2743-2763): LTGEVPEQQL[Glu2753Gln]EAQRVILQAK